The following is an entry in ClinVar:

NM_003151.4(STAT4):c.1219A>T (p.Met407Leu)

Gene: STAT4 (signal transducer and activator of transcription 4; minus strand). Cytogenetic location: 2q32.2.
Variant type: single nucleotide variant.
Coding change: c.1219A>T on transcript NM_003151.4 (MANE Select); coding-DNA position 1219, A replaced by T.
Protein change: p.Met407Leu; replaces methionine 407 with leucine.
Molecular consequence: missense variant.
Genome position (GRCh38, 1-based): chr2:191,054,522, T>A on the plus strand (A>T on the coding strand, the complement: STAT4 is on the minus strand). VCF-style: chr2-191054522-T-A. GRCh37 (hg19) VCF-style: chr2-191919248-T-A.
Other names: c.1219A>T, p.Met407Leu (NM_001243835.2); c.1219A>T (NM_003151.3); short protein forms M407L.
Identifiers: ClinVar variation 1385022 (VCV001385022.9), dbSNP rs1308921436, ClinGen allele CA349912885.

ClinVar aggregate classification (germline): Uncertain significance. Review status: criteria provided, multiple submitters, no conflicts (2 of 4 stars). 2 submissions from 2 submitters: Uncertain significance (2). Last evaluated 2025-08-20.

Allele frequency attached by ClinVar (database versions not stated): gnomAD 0.00001; gnomAD exomes 0.00001 and 0.00003; TOPMed 0.00001.
gnomAD v4.1: 41 of 1,612,464 alleles (0.0025%); highest among the groups gnomAD compares: Non-Finnish European, 0.0034%; no homozygotes.

Submissions (2):

Labcorp Genetics (formerly Invitae), Labcorp
Classification: Uncertain significance. Last evaluated: 2025-08-20. Review status: criteria provided, single submitter. Criteria: Invitae Variant Classification Sherloc (09022015). Collection method: clinical testing. Allele origin: germline.
Comment: This sequence change replaces methionine, which is neutral and non-polar, with leucine, which is neutral and non-polar, at codon 407 of the STAT4 protein (p.Met407Leu). This variant is present in population databases (no rsID available, gnomAD 0.002%). This variant has not been reported in the literature in individuals affected with STAT4-related conditions. ClinVar contains an entry for this variant (Variation ID: 1385022). Invitae Evidence Modeling of protein sequence and biophysical properties (such as structural, functional, and spatial information, amino acid conservation, physicochemical variation, residue mobility, and thermodynamic stability) indicates that this missense variant is not expected to disrupt STAT4 protein function with a negative predictive value of 80%. In summary, the available evidence is currently insufficient to determine the role of this variant in disease. Therefore, it has been classified as a Variant of Uncertain Significance.

Ambry Genetics
Classification: Uncertain significance. Last evaluated: 2024-05-14. Review status: criteria provided, single submitter. Criteria: Ambry Variant Classification Scheme 2023. Collection method: clinical testing. Allele origin: germline.